The following is an entry in ClinVar:

ClinVar aggregate classification (germline): Uncertain significance (1 of 4 stars; one submission).

Submission:

GeneDx
Classification: Uncertain significance. Last evaluated: 2025-06-03. Review status: criteria provided, single submitter. Criteria: GeneDx Variant Classification Process June 2021. Collection method: clinical testing. Allele origin: germline. Affected: yes.
Comment: Not observed at significant frequency in large population cohorts (gnomAD); In silico analysis supports that this missense variant has a deleterious effect on protein structure/function; Has not been previously published as pathogenic or benign to our knowledge

NM_016120.4(RLIM):c.340A>C (p.Ser114Arg)

Gene: RLIM (ring finger protein, LIM domain interacting; minus strand). Cytogenetic location: Xq13.2.
Variant type: single nucleotide variant.
Coding change: c.340A>C on transcript NM_016120.4 (MANE Select); coding-DNA position 340, A replaced by C.
Protein change: p.Ser114Arg; replaces serine 114 with arginine.
Molecular consequence: missense variant.
Genome position (GRCh38, 1-based): chrX:74,592,975, T>G on the plus strand (A>C on the coding strand, the complement: RLIM is on the minus strand). VCF-style: chrX-74592975-T-G. GRCh37 (hg19) VCF-style: chrX-73812810-T-G.
Other names: c.340A>C, p.Ser114Arg (NM_183353.3); short protein forms S114R.
Identifiers: ClinVar variation 4537952 (VCV004537952.1).